The following is an entry in ClinVar:

NM_207346.3(TSEN54):c.83C>T (p.Ser28Leu)

Gene: TSEN54 (tRNA splicing endonuclease subunit 54; plus strand). Cytogenetic location: 17q25.1.
Variant type: single nucleotide variant.
Coding change: c.83C>T on transcript NM_207346.3 (MANE Select); coding-DNA position 83, C replaced by T.
Protein change: p.Ser28Leu; replaces serine 28 with leucine.
Molecular consequence: missense variant.
Genome position (GRCh38, 1-based): chr17:75,516,772, C>T. VCF-style: chr17-75516772-C-T. GRCh37 (hg19) VCF-style: chr17-73512853-C-T.
Other names: short protein forms S28L.
Identifiers: ClinVar variation 212455 (VCV000212455.33), dbSNP rs201089582, ClinGen allele CA209198.

ClinVar aggregate classification (germline): Conflicting classifications of pathogenicity. Review status: criteria provided, conflicting classifications (1 of 4 stars). 12 submissions from 12 submitters: Uncertain significance (7); Likely benign (2). 3 of the submissions do not count toward it. Last evaluated 2026-01-25.

Conditions:
TSEN54-related disorder. Also called: TSEN54-related condition.
Inborn genetic diseases. Identifiers: MedGen C0950123, MeSH D030342.
Pontocerebellar hypoplasia type 2A (PCH2A). Also called: PONTOCEREBELLAR HYPOPLASIA WITH PROGRESSIVE CEREBRAL ATROPHY; VOLENDAM NEURODEGENERATIVE DISEASE. Identifiers: Orphanet 2524, MedGen C1848526, MONDO:0010190, OMIM 277470.
Pontocerebellar hypoplasia type 5 (PCH5). Also called: Pontocerebellar Hypoplasia Type 5 (PCH5). Identifiers: Orphanet 166068, MedGen C1857762, MONDO:0012438, OMIM 610204.
Pontocerebellar hypoplasia type 4 (PCH4). Also called: Pontocerebellar Hypoplasia Type 4 (PCH4). Identifiers: Orphanet 166063, MedGen C1856974, MONDO:0009166, OMIM 225753.
Pontoneocerebellar hypoplasia. Also called: Pontocerebellar hypoplasia; Non-syndromic pontocerebellar hypoplasia. Identifiers: Orphanet 98523, MedGen C1261175, MONDO:0020135.

Allele frequency attached by ClinVar (database versions not stated): 1000 Genomes Project 30x 0.00016; TOPMed 0.00103; gnomAD 0.00111 and 0.00116; gnomAD exomes 0.00113 and 0.00182; ExAC 0.00123; ESP Exome Variant Server 0.00145.

Submissions (12):

Labcorp Genetics (formerly Invitae), Labcorp
Classification: Likely benign. Last evaluated: 2026-01-25. Review status: criteria provided, single submitter. Criteria: Invitae Variant Classification Sherloc (09022015). Collection method: clinical testing. Allele origin: germline.

GeneDx
Classification: Uncertain significance. Last evaluated: 2025-04-21. Review status: criteria provided, single submitter. Criteria: GeneDx Variant Classification Process June 2021. Collection method: clinical testing. Allele origin: germline. Affected: yes.
Comment: Has not been previously reported as a pathogenic or benign germline variant to our knowledge; In silico analysis supports that this missense variant has a deleterious effect on protein structure/function; This variant is associated with the following publications: (PMID: 29245897)

Blueprint Genetics
Classification: Uncertain significance. Last evaluated: 2024-11-14. Review status: criteria provided, single submitter. Criteria: ACMG Guidelines, 2015. Collection method: clinical testing. Allele origin: germline.

Ambry Genetics
Classification: Likely benign for Inborn genetic diseases. Last evaluated: 2022-06-09. Review status: criteria provided, single submitter. Criteria: Ambry Variant Classification Scheme 2023. Collection method: clinical testing. Allele origin: germline.

Fulgent Genetics
Classification: Uncertain significance for Pontocerebellar hypoplasia type 4; Pontocerebellar hypoplasia type 2A; Pontocerebellar hypoplasia type 5. Last evaluated: 2018-10-31. Review status: criteria provided, single submitter. Criteria: ACMG Guidelines, 2015. Collection method: clinical testing. Allele origin: unknown.

Illumina Laboratory Services, Illumina
Classification: Uncertain significance for Pontoneocerebellar hypoplasia. Last evaluated: 2018-01-13. Review status: criteria provided, single submitter. Criteria: ICSL Variant Classification Criteria 13 December 2019. Collection method: clinical testing. Allele origin: germline.

Athena Diagnostics
Classification: Uncertain significance. Last evaluated: 2017-06-28. Review status: criteria provided, single submitter. Criteria: Athena Diagnostics Criteria. Collection method: clinical testing. Allele origin: germline.

Eurofins Ntd Llc (ga)
Classification: Uncertain significance. Last evaluated: 2016-03-25. Review status: criteria provided, single submitter. Criteria: EGL Classification Definitions 2015. Collection method: clinical testing. Allele origin: germline. Observed: 1 variant allele, 1 heterozygote.

Genetic Services Laboratory, University of Chicago
Classification: Uncertain significance. Last evaluated: 2014-08-20. Review status: criteria provided, single submitter. Criteria: ACMG Guidelines, 2015. Collection method: clinical testing. Allele origin: germline.

PreventionGenetics, part of Exact Sciences
Classification: Likely benign for TSEN54-related condition. Last evaluated: 2022-04-08. Review status: no assertion criteria provided. Collection method: clinical testing. Allele origin: germline. Not counted in ClinVar's aggregate classification.
Comment: This variant is classified as likely benign based on ACMG/AMP sequence variant interpretation guidelines (Richards et al. 2015 PMID: 25741868, with internal and published modifications).

Clinical Genetics DNA and cytogenetics Diagnostics Lab, Erasmus MC, Erasmus Medical Center
Classification: Uncertain significance. Review status: no assertion criteria provided. Collection method: clinical testing. Allele origin: germline. Affected: yes. Study: VKGL Data-share Consensus. Not counted in ClinVar's aggregate classification.

Genome Diagnostics Laboratory, Amsterdam University Medical Center
Classification: Uncertain significance. Review status: no assertion criteria provided. Collection method: clinical testing. Allele origin: germline. Affected: yes. Study: VKGL Data-share Consensus. Not counted in ClinVar's aggregate classification.